The following is an entry in ClinVar:

ClinVar aggregate classification (germline): Uncertain significance. Review status: criteria provided, multiple submitters, no conflicts (2 of 4 stars). 2 submissions from 2 submitters: Uncertain significance (2). Last evaluated 2025-05-04.

Conditions:
Inborn genetic diseases. Identifiers: MedGen C0950123, MeSH D030342.

Allele frequency attached by ClinVar (database versions not stated): ESP Exome Variant Server 0.00008.
gnomAD v4.1: 83 of 1,613,794 alleles (0.0051%); highest among the groups gnomAD compares: Non-Finnish European, 0.007%; no homozygotes.

Submissions (2):

Ambry Genetics
Classification: Uncertain significance for Inborn genetic diseases. Last evaluated: 2025-05-04. Review status: criteria provided, single submitter. Criteria: Ambry Variant Classification Scheme 2023. Collection method: clinical testing. Allele origin: germline.

Labcorp Genetics (formerly Invitae), Labcorp
Classification: Uncertain significance. Last evaluated: 2021-05-29. Review status: criteria provided, single submitter. Criteria: Invitae Variant Classification Sherloc (09022015). Collection method: clinical testing. Allele origin: germline.
Comment: In summary, the available evidence is currently insufficient to determine the role of this variant in disease. Therefore, it has been classified as a Variant of Uncertain Significance. Algorithms developed to predict the effect of missense changes on protein structure and function output the following: SIFT: "Tolerated"; PolyPhen-2: "Benign"; Align-GVGD: "Class C0". The serine amino acid residue is found in multiple mammalian species, suggesting that this missense change does not adversely affect protein function. These predictions have not been confirmed by published functional studies and their clinical significance is uncertain. This variant has not been reported in the literature in individuals with ATP8A2-related conditions. This variant is present in population databases (rs369685449, ExAC 0.001%). This sequence change replaces alanine with serine at codon 692 of the ATP8A2 protein (p.Ala692Ser). The alanine residue is moderately conserved and there is a moderate physicochemical difference between alanine and serine.

NM_016529.6(ATP8A2):c.2074G>T (p.Ala692Ser)

Gene: ATP8A2 (ATPase phospholipid transporting 8A2). Cytogenetic location: 13q12.13.
Variant type: single nucleotide variant.
Coding change: c.2074G>T on transcript NM_016529.6 (MANE Select); coding-DNA position 2074, G replaced by T.
Protein change: p.Ala692Ser; replaces alanine 692 with serine.
Molecular consequence: missense variant.
Genome position (GRCh38, 1-based): chr13:25,581,885, G>T. VCF-style: chr13-25581885-G-T. GRCh37 (hg19) VCF-style: chr13-26156023-G-T.
Other names: c.1954G>T, p.Ala652Ser (NM_001313741.1); c.2074G>T (NM_016529.4); short protein forms A692S, A652S.
Identifiers: ClinVar variation 1390167 (VCV001390167.10), dbSNP rs369685449, ClinGen allele CA6923180.